The following is an entry in ClinVar:

ClinVar aggregate classification (germline): Benign/Likely benign. Review status: criteria provided, multiple submitters, no conflicts (2 of 4 stars). 5 submissions from 5 submitters: Benign (1); Likely benign (4). Last evaluated 2026-09-01.

Conditions:
Microcephaly 5, primary, autosomal recessive (MCPH5). Also called: ASPM Primary Microcephaly. Identifiers: Orphanet 2512, MedGen C1837501, MONDO:0012106, OMIM 608716.

Allele frequency attached by ClinVar (database versions not stated): ESP Exome Variant Server 0.00023; TOPMed 0.00079; gnomAD exomes 0.00087 and 0.00201; gnomAD 0.00119 and 0.00134; ExAC 0.00179; 1000 Genomes Project 30x 0.00203; 1000 Genomes Project 0.00240.

Submissions (5):

CeGaT Center for Human Genetics Tuebingen
Classification: Likely benign. Last evaluated: 2026-09-01. Review status: criteria provided, single submitter. Criteria: CeGaT Center For Human Genetics Tuebingen Variant Classification Criteria Version 2. Collection method: clinical testing. Allele origin: germline. Affected: yes. Observed: 4 variant alleles.
Comment: ASPM: BP4, BS1

Labcorp Genetics (formerly Invitae), Labcorp
Classification: Benign. Last evaluated: 2025-10-08. Review status: criteria provided, single submitter. Criteria: Invitae Variant Classification Sherloc (09022015). Collection method: clinical testing. Allele origin: germline.

Genome-Nilou Lab
Classification: Likely benign for Microcephaly 5, primary, autosomal recessive. Last evaluated: 2023-04-11. Review status: criteria provided, single submitter. Criteria: ACMG Guidelines, 2015. Collection method: clinical testing. Allele origin: germline. Affected: no.

GeneDx
Classification: Likely benign. Last evaluated: 2021-02-03. Review status: criteria provided, single submitter. Criteria: GeneDx Variant Classification Process June 2021. Collection method: clinical testing. Allele origin: germline. Affected: yes.

Illumina Laboratory Services, Illumina
Classification: Likely benign for Microcephaly 5, primary, autosomal recessive. Last evaluated: 2017-04-27. Review status: criteria provided, single submitter. Criteria: ICSL Variant Classification Criteria 13 December 2019. Collection method: clinical testing. Allele origin: germline.
Comment: This variant was observed as part of a predisposition screen in an ostensibly healthy population. A literature search was performed for the gene, cDNA change, and amino acid change (where applicable). No publications were found based on this search. Allele frequency data from public databases allowed determination this variant is unlikely to cause disease. Therefore, this variant is classified as likely benign.

NM_018136.5(ASPM):c.1732G>A (p.Asp578Asn)

Gene: ASPM (assembly factor for spindle microtubules; minus strand). Cytogenetic location: 1q31.3.
Variant type: single nucleotide variant.
Coding change: c.1732G>A on transcript NM_018136.5 (MANE Select); coding-DNA position 1732, G replaced by A.
Protein change: p.Asp578Asn; replaces aspartic acid 578 with asparagine.
Molecular consequence: missense variant.
Genome position (GRCh38, 1-based): chr1:197,142,520, C>T on the plus strand (G>A on the coding strand, the complement: ASPM is on the minus strand). VCF-style: chr1-197142520-C-T. GRCh37 (hg19) VCF-style: chr1-197111650-C-T.
Other names: c.1732G>A, p.Asp578Asn (NM_001206846.2); short protein forms D578N.
Identifiers: ClinVar variation 735069 (VCV000735069.39), dbSNP rs60950503, ClinGen allele CA1310658.